The following is an entry in ClinVar:

NM_020800.3(IFT80):c.2155C>T (p.Arg719Cys)

Genes: TRIM59-IFT80 (TRIM59-IFT80 readthrough (NMD candidate); minus strand), IFT80 (intraflagellar transport 80; minus strand). Cytogenetic location: 3q25.33.
Variant type: single nucleotide variant.
Coding change: c.2155C>T on transcript NM_020800.3 (MANE Select); coding-DNA position 2155, C replaced by T.
Protein change: p.Arg719Cys; replaces arginine 719 with cysteine.
Molecular consequence: missense variant. On other transcripts: non-coding transcript variant (3).
Genome position (GRCh38, 1-based): chr3:160,268,481, G>A on the plus strand (C>T on the coding strand, the complement: IFT80 is on the minus strand). VCF-style: chr3-160268481-G-A. GRCh37 (hg19) VCF-style: chr3-159986269-G-A.
Other names: c.1744C>T, p.Arg582Cys (NM_001190242.2, NM_001190241.2); short protein forms R719C, R582C.
Identifiers: ClinVar variation 1382590 (VCV001382590.6), dbSNP rs764764460, ClinGen allele CA2684951.

ClinVar aggregate classification (germline): Uncertain significance (1 of 4 stars; one submission).

Conditions:
Jeune thoracic dystrophy. Also called: Short-rib thoracic dysplasia; Jeune syndrome; Infantile thoracic dystrophy; Thoracic pelvic phalangeal dystrophy; Jeune's syndrome; Chondroectodermal dysplasia-like syndrome. Identifiers: Orphanet 474, MedGen C0265275, MONDO:0018770.

Allele frequency attached by ClinVar (database versions not stated): gnomAD 0.00001; gnomAD exomes 0.00001; TOPMed 0.00001; ExAC 0.00002.
gnomAD v4.1: 16 of 1,612,840 alleles (0.00099%); highest among the groups gnomAD compares: East Asian, 0.0022%; no homozygotes.

Submission:

Labcorp Genetics (formerly Invitae), Labcorp
Classification: Uncertain significance for Jeune thoracic dystrophy. Last evaluated: 2025-11-27. Review status: criteria provided, single submitter. Criteria: Invitae Variant Classification Sherloc (09022015). Collection method: clinical testing. Allele origin: germline.
Comment: This sequence change replaces arginine, which is basic and polar, with cysteine, which is neutral and slightly polar, at codon 719 of the IFT80 protein (p.Arg719Cys). This variant is present in population databases (rs764764460, gnomAD 0.006%). This missense change has been observed in individual(s) with apshyxiating thoracic dystrophy (PMID: 23339108). ClinVar contains an entry for this variant (Variation ID: 1382590). Invitae Evidence Modeling of protein sequence and biophysical properties (such as structural, functional, and spatial information, amino acid conservation, physicochemical variation, residue mobility, and thermodynamic stability) indicates that this missense variant is not expected to disrupt IFT80 protein function with a negative predictive value of 80%. Experimental studies are conflicting or provide insufficient evidence to determine the effect of this variant on IFT80 function (PMID: 29658880). In summary, the available evidence is currently insufficient to determine the role of this variant in disease. Therefore, it has been classified as a Variant of Uncertain Significance.

Literature cited by the submitters: PubMed 23339108; PubMed 29658880.